The following is an entry in ClinVar:

NC_000002.11:g.(?_179432520)_(179439230_?)del

Gene: TTN (titin; minus strand). Cytogenetic location: 2q31.2.
Variant type: Deletion.
Identifiers: ClinVar variation 1421190 (VCV001421190.6).

ClinVar aggregate classification (germline): Uncertain significance (1 of 4 stars; one submission).

Conditions:
Dilated cardiomyopathy 1G (CMD1G). Identifiers: Orphanet 154, MedGen C1858763, MONDO:0011400, OMIM 604145.
Autosomal recessive limb-girdle muscular dystrophy type 2J (LGMDR10). Also called: Limb-girdle muscular dystrophy, type 2J; MUSCULAR DYSTROPHY, LIMB-GIRDLE, AUTOSOMAL RECESSIVE 10. Identifiers: Orphanet 140922, MedGen C1837342, MONDO:0012127, OMIM 608807.

Submission:

Labcorp Genetics (formerly Invitae), Labcorp
Classification: Uncertain significance for Dilated cardiomyopathy 1G; Autosomal recessive limb-girdle muscular dystrophy type 2J. Last evaluated: 2021-11-11. Review status: criteria provided, single submitter. Criteria: Invitae Variant Classification Sherloc (09022015). Collection method: clinical testing. Allele origin: germline.
Comment: This variant, c.71629_78339del, results in the deletion of 2237 amino acid(s) of the TTN protein (p.Ser23877_Val26113del), but otherwise preserves the integrity of the reading frame. This variant has been observed in individual(s) with congenital myopathy (Invitae). Experimental studies and prediction algorithms are not available or were not evaluated, and the functional significance of this variant is currently unknown. This variant is located in the A band of TTN (PMID: 25589632). Variants in this region may be relevant for cardiac or neuromuscular disorders (PMID: 25589632, 23975875). In summary, the available evidence is currently insufficient to determine the role of this variant in disease. Therefore, it has been classified as a Variant of Uncertain Significance.

Literature cited by the submitters: PubMed 25589632; PubMed 23975875.